The following is an entry in ClinVar:

NM_018136.5(ASPM):c.861T>C (p.Asn287=)

Gene: ASPM (assembly factor for spindle microtubules; minus strand). Cytogenetic location: 1q31.3.
Variant type: single nucleotide variant.
Coding change: c.861T>C on transcript NM_018136.5 (MANE Select); coding-DNA position 861, T replaced by C.
Protein change: p.Asn287=; no amino-acid change (asparagine 287 retained).
Molecular consequence: synonymous variant.
Genome position (GRCh38, 1-based): chr1:197,143,391, A>G on the plus strand (T>C on the coding strand, the complement: ASPM is on the minus strand). VCF-style: chr1-197143391-A-G. GRCh37 (hg19) VCF-style: chr1-197112521-A-G.
Other names: c.861T>C, p.Asn287= (NM_001206846.2); c.861T>C (NM_018136.4).
Identifiers: ClinVar variation 1623045 (VCV001623045.10), dbSNP rs139670577, ClinGen allele CA1310799.

ClinVar aggregate classification (germline): Likely benign. Review status: criteria provided, single submitter (1 of 4 stars). 2 submissions from 2 submitters: Likely benign (1). 1 of the submissions does not count toward it. Last evaluated 2022-12-20.

Conditions:
ASPM-related disorder. Also called: ASPM-related condition.

Allele frequency attached by ClinVar (database versions not stated): ExAC 0.00002; gnomAD exomes 0.00002 and 0.00004; gnomAD 0.00003; TOPMed 0.00004; ESP Exome Variant Server 0.00015.
gnomAD v4.1: 63 of 1,613,854 alleles (0.0039%); highest among the groups gnomAD compares: Non-Finnish European, 0.0051%; no homozygotes.

Submissions (2):

Labcorp Genetics (formerly Invitae), Labcorp
Classification: Likely benign. Last evaluated: 2022-12-20. Review status: criteria provided, single submitter. Criteria: Invitae Variant Classification Sherloc (09022015). Collection method: clinical testing. Allele origin: germline.

PreventionGenetics, part of Exact Sciences
Classification: Likely benign for ASPM-related condition. Last evaluated: 2021-12-19. Review status: no assertion criteria provided. Collection method: clinical testing. Allele origin: germline. Not counted in ClinVar's aggregate classification.
Comment: This variant is classified as likely benign based on ACMG/AMP sequence variant interpretation guidelines (Richards et al. 2015 PMID: 25741868, with internal and published modifications).